The following is an entry in ClinVar:

NM_021625.5(TRPV4):c.649G>A (p.Ala217Thr)

Gene: TRPV4 (transient receptor potential cation channel subfamily V member 4; minus strand). Cytogenetic location: 12q24.11.
Variant type: single nucleotide variant.
Coding change: c.649G>A on transcript NM_021625.5 (MANE Select); coding-DNA position 649, G replaced by A.
Protein change: p.Ala217Thr; replaces alanine 217 with threonine.
Molecular consequence: missense variant.
Genome position (GRCh38, 1-based): chr12:109,803,054, C>T on the plus strand (G>A on the coding strand, the complement: TRPV4 is on the minus strand). VCF-style: chr12-109803054-C-T. GRCh37 (hg19) VCF-style: chr12-110240859-C-T.
Other names: c.649G>A, p.Ala217Thr (NM_001177428.2, NM_001177433.2, NM_147204.3); c.547G>A, p.Ala183Thr (NM_001177431.2); short protein forms A217T, A183T.
Identifiers: ClinVar variation 409290 (VCV000409290.8), dbSNP rs187864727, ClinGen allele CA6780485.

ClinVar aggregate classification (germline): Uncertain significance (1 of 4 stars; one submission).

Conditions:
Charcot-Marie-Tooth disease axonal type 2C (HMSN2C). Also called: Charcot-Marie-Tooth Disease Type 2, TRPV4-Related (CMT2C); CHARCOT-MARIE-TOOTH DISEASE, AXONAL, AUTOSOMAL DOMINANT, TYPE 2C; Charcot-Marie-Tooth Neuropathy Type 2C. Identifiers: Orphanet 99937, MedGen C1853710, MONDO:0011633, OMIM 606071.

Submission:

Labcorp Genetics (formerly Invitae), Labcorp
Classification: Uncertain significance for Charcot-Marie-Tooth disease axonal type 2C. Last evaluated: 2021-12-22. Review status: criteria provided, single submitter. Criteria: Invitae Variant Classification Sherloc (09022015). Collection method: clinical testing. Allele origin: germline.
Comment: In summary, the available evidence is currently insufficient to determine the role of this variant in disease. Therefore, it has been classified as a Variant of Uncertain Significance. Advanced modeling of protein sequence and biophysical properties (such as structural, functional, and spatial information, amino acid conservation, physicochemical variation, residue mobility, and thermodynamic stability) performed at Invitae indicates that this missense variant is not expected to disrupt TRPV4 protein function. ClinVar contains an entry for this variant (Variation ID: 409290). This variant has not been reported in the literature in individuals affected with TRPV4-related conditions. This variant is present in population databases (rs187864727, gnomAD 0.003%). This sequence change replaces alanine, which is neutral and non-polar, with threonine, which is neutral and polar, at codon 217 of the TRPV4 protein (p.Ala217Thr).